The following is an entry in ClinVar:

ClinVar aggregate classification (germline): Benign/Likely benign. Review status: criteria provided, multiple submitters, no conflicts (2 of 4 stars). 18 submissions from 18 submitters: Benign (4); Likely benign (10). 4 of the submissions do not count toward it. Last evaluated 2026-09-01.

Conditions:
Monogenic diabetes. Identifiers: Orphanet 183625, MedGen C3888631, MONDO:0015967.
Cardiovascular phenotype. Identifiers: MedGen CN230736.
Retinal dystrophy. Also called: Inherited retinal dystrophy. Identifiers: Orphanet 71862, MedGen C0854723, MeSH D058499, MONDO:0019118, HP:0000556.
Alstrom syndrome (ALMS). Identifiers: Orphanet 64, MedGen C0268425, MONDO:0008763, OMIM 203800.
Hearing impairment. Also called: Impaired Hearing. Identifiers: MedGen C1384666, MONDO:0005365, HP:0000365.

Allele frequency attached by ClinVar (database versions not stated): gnomAD exomes 0.00290; gnomAD 0.00292 and 0.00285; ESP Exome Variant Server 0.00329; 1000 Genomes Project 30x 0.00156; 1000 Genomes Project 0.00180; TOPMed 0.00257; ExAC 0.00258.
gnomAD v4.1: 6,262 of 1,614,050 alleles (0.39%); highest among the groups gnomAD compares: South Asian, 0.54%; 25 homozygotes.

Submissions (18):

CeGaT Center for Human Genetics Tuebingen
Classification: Likely benign. Last evaluated: 2026-09-01. Review status: criteria provided, single submitter. Criteria: CeGaT Center For Human Genetics Tuebingen Variant Classification Criteria Version 2. Collection method: clinical testing. Allele origin: germline. Affected: yes. Observed: 12 variant alleles.
Comment: ALMS1: BP4, BS2

Labcorp Genetics (formerly Invitae), Labcorp
Classification: Benign for Alstrom syndrome. Last evaluated: 2026-02-04. Review status: criteria provided, single submitter. Criteria: Invitae Variant Classification Sherloc (09022015). Collection method: clinical testing. Allele origin: germline.

Blueprint Genetics
Classification: Likely benign. Last evaluated: 2024-11-26. Review status: criteria provided, single submitter. Criteria: ACMG Guidelines, 2015. Collection method: clinical testing. Allele origin: germline.

GeneDx
Classification: Likely benign. Last evaluated: 2020-11-30. Review status: criteria provided, single submitter. Criteria: GeneDx Variant Classification Process June 2021. Collection method: clinical testing. Allele origin: germline. Affected: yes.
Comment: This variant is associated with the following publications: (PMID: 28717663, 25846608, 18154657, 21157496, 25296579)

Ambry Genetics
Classification: Likely benign for Cardiovascular phenotype. Last evaluated: 2019-05-02. Review status: criteria provided, single submitter. Criteria: Ambry Variant Classification Scheme 2023. Collection method: clinical testing. Allele origin: germline.

Cambridge Genomics Laboratory, East Genomic Laboratory Hub, NHS Genomic Medicine Service
Classification: Benign for Hearing impairment. Last evaluated: 2019-04-17. Review status: criteria provided, single submitter. Criteria: ACGS Best Practice Guidelines for Variant Classification in Rare Disease 2020. Collection method: clinical testing. Allele origin: germline. Affected: yes. Observed: 1 variant allele.

Athena Diagnostics
Classification: Benign. Last evaluated: 2018-09-20. Review status: criteria provided, single submitter. Criteria: Athena Diagnostics Criteria. Collection method: clinical testing. Allele origin: germline.

Women's Health and Genetics/Laboratory Corporation of America, LabCorp
Classification: Benign. Last evaluated: 2018-05-21. Review status: criteria provided, single submitter. Criteria: LabCorp Variant Classification Summary - May 2015. Collection method: clinical testing. Allele origin: germline.
Comment: Variant summary: ALMS1 c.1267G>A (p.Val423Ile, alternative name c.1270G>A) results in a conservative amino acid change in the encoded protein sequence. Five of five in-silico tools predict a benign effect of the variant on protein function. The variant allele was found at a frequency of 0.0028 in 276990 control chromosomes, predominantly found within the South Asian subpopulation with a frequency of 0.0051 in the gnomAD database, including 4 homozygotes. The observed variant frequency within South Asian control individuals in the gnomAD database is approximately 2.3 fold of the estimated maximal expected allele frequency for a pathogenic variant in ALMS1 causing Cardiomyopathy phenotype (0.0022), strongly suggesting that the variant is a benign polymorphism found primarily in populations of South Asian origin. At least one publication reports experimental evidence, demonstrating no sign of exon skipping with normal ALMS1 expression and without discernible defects in ciliary morphology in a cell line established from an individual carrying the variant (Chen 2017). These results indicate no damaging effect for this variant. Four clinical diagnostic laboratories have submitted clinical-significance assessments for this variant to ClinVar after 2014 without evidence for independent evaluation. All laboratories classified the variant as benign/likely benign. Based on the evidence outlined above, the variant was classified as benign.

Personalized Diabetes Medicine Program, University of Maryland School of Medicine
Classification: Likely benign for Monogenic diabetes. Last evaluated: 2017-03-31. Review status: criteria provided, single submitter. Criteria: ACMG Guidelines, 2015. Collection method: research. Allele origin: unknown. Observed: 1 variant allele, 1 heterozygote.
Comment: ACMG criteria: BP4 (9 predictors), BP1 (missense when truncating cause disease)=likely benign

Genetic Services Laboratory, University of Chicago
Classification: Likely benign. Last evaluated: 2016-12-30. Review status: criteria provided, single submitter. Criteria: ACMG Guidelines, 2015. Collection method: clinical testing. Allele origin: germline. Affected: no.

Center for Pediatric Genomic Medicine, Children's Mercy Hospital and Clinics
Classification: Likely benign. Last evaluated: 2016-09-12. Review status: criteria provided, single submitter. Criteria: ACMG Guidelines, 2015. Collection method: clinical testing. Allele origin: germline.
ClinVar note: Converted during submission from Likely Benign to Likely benign.

Laboratory for Molecular Medicine, Mass General Brigham Personalized Medicine
Classification: Likely benign. Last evaluated: 2016-03-21. Review status: criteria provided, single submitter. Criteria: LMM Criteria. Collection method: clinical testing. Allele origin: germline. Observed: 4 variant alleles.
Comment: p.Val423Ile in exon 6 of ALMS1: This variant is not expected to have clinical si gnificance because it has been identified in 0.50% (82/16512) of South Asian chr omosomes by the Exome Aggregation Consortium (ExAC, rg; dbSNP rs45630557).

Institute of Human Genetics, Univ. Regensburg, Univ. Regensburg
Classification: Likely benign for Retinal dystrophy. Last evaluated: 2009-01-01. Review status: criteria provided, single submitter. Criteria: ACMG Guidelines, 2015. Collection method: clinical testing. Allele origin: germline. Affected: yes.

Breakthrough Genomics
Classification: Likely benign. Review status: criteria provided, single submitter. Criteria: ACMG Guidelines, 2015. Collection method: not provided. Allele origin: germline. Inheritance: Autosomal recessive inheritance. Affected: yes.

Natera, Inc.
Classification: Benign for Alstrom syndrome. Last evaluated: 2019-12-02. Review status: no assertion criteria provided. Collection method: clinical testing. Allele origin: germline. Not counted in ClinVar's aggregate classification.

Clinical Genetics DNA and cytogenetics Diagnostics Lab, Erasmus MC, Erasmus Medical Center
Classification: Likely benign. Review status: no assertion criteria provided. Collection method: clinical testing. Allele origin: germline. Affected: yes. Study: VKGL Data-share Consensus. Not counted in ClinVar's aggregate classification.

Genome Diagnostics Laboratory, University Medical Center Utrecht
Classification: Benign. Review status: no assertion criteria provided. Collection method: clinical testing. Allele origin: germline. Affected: yes. Study: VKGL Data-share Consensus. Not counted in ClinVar's aggregate classification.

Laboratory of Diagnostic Genome Analysis, Leiden University Medical Center (LUMC)
Classification: Likely benign. Review status: no assertion criteria provided. Collection method: clinical testing. Allele origin: germline. Affected: yes. Study: VKGL Data-share Consensus. Not counted in ClinVar's aggregate classification.

Literature cited by the submitters: PubMed 18154657 (cited by 3 submitters); PubMed 28717663 (cited by Ambry Genetics and Athena Diagnostics); PubMed 2871766 (cited by Institute of Human Genetics, Univ. Regensburg, Univ. Regensburg).

NM_001378454.1(ALMS1):c.1267G>A (p.Val423Ile)

Gene: ALMS1 (ALMS1 centrosome and basal body associated protein; plus strand). Cytogenetic location: 2p13.1.
Variant type: single nucleotide variant.
Coding change: c.1267G>A on transcript NM_001378454.1 (MANE Select); coding-DNA position 1267, G replaced by A.
Protein change: p.Val423Ile; replaces valine 423 with isoleucine.
Molecular consequence: missense variant.
Genome position (GRCh38, 1-based): chr2:73,426,482, G>A. VCF-style: chr2-73426482-G-A. GRCh37 (hg19) VCF-style: chr2-73653610-G-A.
Other names: c.1270G>A, p.Val424Ile (NM_015120.4); short protein forms V424I, V423I.
Identifiers: ClinVar variation 240983 (VCV000240983.75), dbSNP rs45630557, ClinGen allele CA1713100.